The following is an entry in ClinVar:

ClinVar aggregate classification (germline): Uncertain significance (1 of 4 stars; one submission).

Conditions:
Hereditary cancer-predisposing syndrome. Also called: Neoplastic Syndromes, Hereditary; Tumor predisposition; Hereditary neoplastic syndrome; Hereditary Cancer Syndrome. Identifiers: Orphanet 140162, MedGen C0027672, MeSH D009386, MONDO:0015356.

Submission:

Ambry Genetics
Classification: Uncertain significance for Hereditary cancer-predisposing syndrome. Last evaluated: 2025-03-27. Review status: criteria provided, single submitter. Criteria: Ambry Variant Classification Scheme 2023. Collection method: clinical testing. Allele origin: germline.
Comment: The p.E1017A variant (also known as c.3050A>C), located in coding exon 13 of the MET gene, results from an A to C substitution at nucleotide position 3050. The glutamic acid at codon 1017 is replaced by alanine, an amino acid with dissimilar properties. This amino acid position is highly conserved in available vertebrate species. In addition, the in silico prediction for this alteration is inconclusive. Based on the available evidence, the clinical significance of this variant remains unclear.

NM_000245.4(MET):c.2996A>C (p.Glu999Ala)

Gene: MET (MET proto-oncogene, receptor tyrosine kinase; plus strand). Cytogenetic location: 7q31.2.
Variant type: single nucleotide variant.
Coding change: c.2996A>C on transcript NM_000245.4 (MANE Select); coding-DNA position 2996, A replaced by C.
Protein change: p.Glu999Ala; replaces glutamic acid 999 with alanine.
Molecular consequence: missense variant.
Genome position (GRCh38, 1-based): chr7:116,771,957, A>C. VCF-style: chr7-116771957-A-C. GRCh37 (hg19) VCF-style: chr7-116412011-A-C.
Other names: c.3050A>C, p.Glu1017Ala (NM_001127500.3); c.1706A>C, p.Glu569Ala (NM_001324402.2); short protein forms E569A, E999A, E1017A.
Identifiers: ClinVar variation 4053919 (VCV004053919.1).